The following is an entry in ClinVar:

NM_001144061.2(COPB1):c.904T>C (p.Leu302=)

Gene: COPB1 (coat protein complex I subunit beta 1; minus strand). Cytogenetic location: 11p15.2.
Variant type: single nucleotide variant.
Coding change: c.904T>C on transcript NM_001144061.2 (MANE Select); coding-DNA position 904, T replaced by C.
Protein change: p.Leu302=; no amino-acid change (leucine 302 retained).
Molecular consequence: synonymous variant.
Genome position (GRCh38, 1-based): chr11:14,483,085, A>G on the plus strand (T>C on the coding strand, the complement: COPB1 is on the minus strand). VCF-style: chr11-14483085-A-G. GRCh37 (hg19) VCF-style: chr11-14504631-A-G.
Other names: c.904T>C, p.Leu302= (NM_001144062.2, NM_016451.5).
Identifiers: ClinVar variation 2641622 (VCV002641622.24), dbSNP rs1589963464, ClinGen allele CA473284770.

ClinVar aggregate classification (germline): Likely benign (1 of 4 stars; one submission).

Submission:

CeGaT Center for Human Genetics Tuebingen
Classification: Likely benign. Last evaluated: 2022-12-01. Review status: criteria provided, single submitter. Criteria: CeGaT Center For Human Genetics Tuebingen Variant Classification Criteria Version 2. Collection method: clinical testing. Allele origin: germline. Affected: yes. Observed: 1 variant allele.
Comment: COPB1: PM2:Supporting, BP4, BP7